The following is an entry in ClinVar:

NM_002025.4(AFF2):c.896C>T (p.Pro299Leu)

Gene: AFF2 (ALF transcription elongation factor 2; plus strand). Cytogenetic location: Xq28.
Variant type: single nucleotide variant.
Coding change: c.896C>T on transcript NM_002025.4 (MANE Select); coding-DNA position 896, C replaced by T.
Protein change: p.Pro299Leu; replaces proline 299 with leucine.
Molecular consequence: missense variant.
Genome position (GRCh38, 1-based): chrX:148,662,623, C>T. VCF-style: chrX-148662623-C-T. GRCh37 (hg19) VCF-style: chrX-147744144-C-T.
Other names: c.884C>T, p.Pro295Leu (NM_001169122.2, NM_001169123.2, NM_001169125.2); c.896C>T, p.Pro299Leu (NM_001169124.2); short protein forms P299L, P295L.
Identifiers: ClinVar variation 382253 (VCV000382253.4), dbSNP rs368459122, ClinGen allele CA10536858.
Genomic context (GRCh38, chrX:148,662,623, plus strand): 5'-GCATGGGGCAGCAAAAGCCAACTGCATACGTCAGACCCATGGATGGCCAGGACCAGGCAC[C>T]GGACATCTCACCAACACTGAAACCTTCAATTGAATTTGAGAACAGCTTTGGGAATCTGTC-3'
Protein context (NP_002016.2, residues 289-309): VRPMDGQDQA[Pro299Leu]DISPTLKPSI

ClinVar aggregate classification (germline): Uncertain significance. Review status: criteria provided, multiple submitters, no conflicts (2 of 4 stars). 2 submissions from 2 submitters: Uncertain significance (2). Last evaluated 2019-06-14.

Allele frequency attached by ClinVar (database versions not stated): ExAC 0.00001; gnomAD exomes 0.00001; gnomAD 0.00005 and 0.00006; TOPMed 0.00006; ESP Exome Variant Server 0.00009.
gnomAD v4.1: 21 of 1,209,811 alleles (0.0017%); highest among the groups gnomAD compares: African/African-American, 0.011%; no homozygotes.

Submissions (2):

Women's Health and Genetics/Laboratory Corporation of America, LabCorp
Classification: Uncertain significance. Last evaluated: 2019-06-14. Review status: criteria provided, single submitter. Criteria: LabCorp Variant Classification Summary - May 2015. Collection method: clinical testing. Allele origin: germline.
Comment: Variant summary: AFF2 c.896C>T (p.Pro299Leu) results in a non-conservative amino acid change in the encoded protein sequence. Three of five in-silico tools predict a damaging effect of the variant on protein function. The variant allele was found at a frequency of 1.5e-05 in 205045 control chromosomes (gnomAD). The available data on variant occurrences in the general population are insufficient to allow any conclusion about variant significance. To our knowledge, no occurrence of c.896C>T in individuals affected with Mental retardation, X-linked, FRAXE type and no experimental evidence demonstrating its impact on protein function have been reported. One clinical diagnostic laboratory has submitted clinical-significance assessments for this variant to ClinVar after 2014 without evidence for independent evaluation and classified the variant as uncertain significance. Based on the evidence outlined above, the variant was classified as uncertain significance.

GeneDx
Classification: Uncertain significance. Last evaluated: 2019-06-12. Review status: criteria provided, single submitter. Criteria: GeneDx Variant Classification Process June 2021. Collection method: clinical testing. Allele origin: germline. Affected: yes.
Comment: In silico analysis, which includes protein predictors and evolutionary conservation, supports a deleterious effect; Has not been previously published as pathogenic or benign to our knowledge